The following is an entry in ClinVar:

NM_182961.4(SYNE1):c.15043T>A (p.Leu5015Met)

Gene: SYNE1 (spectrin repeat containing nuclear envelope protein 1; minus strand). Cytogenetic location: 6q25.2.
Variant type: single nucleotide variant.
Coding change: c.15043T>A on transcript NM_182961.4 (MANE Select); coding-DNA position 15043, T replaced by A.
Protein change: p.Leu5015Met; replaces leucine 5015 with methionine.
Molecular consequence: missense variant.
Genome position (GRCh38, 1-based): chr6:152,326,546, A>T on the plus strand (T>A on the coding strand, the complement: SYNE1 is on the minus strand). VCF-style: chr6-152326546-A-T. GRCh37 (hg19) VCF-style: chr6-152647681-A-T.
Other names: p.Leu4944Met; c.14830T>A, p.Leu4944Met (NM_033071.5); short protein forms L4944M, L5015M.
Identifiers: ClinVar variation 130408 (VCV000130408.28), dbSNP rs2306916, ClinGen allele CA155373.
Genomic context (GRCh38, chr6:152,326,546, plus strand): 5'-GGCTTTTGAGATTTTCCTCTGCGCTCTCCACGTCTAGGCCATTGCCTGCCAGCTGTAACA[A>T]TTCTTGGGCATCCTCAAGCCAGTCATTGGCTGCTTGAAATACCTGATAATACCTTTGACA-3'
Protein context (NP_892006.3, residues 5005-5025): ANDWLEDAQE[Leu5015Met]LQLAGNGLDV

ClinVar aggregate classification (germline): Benign. Review status: criteria provided, multiple submitters, no conflicts (2 of 4 stars). 15 submissions from 12 submitters: Benign (11). 4 of the submissions do not count toward it. Last evaluated 2026-02-03.

Conditions:
Arthrogryposis multiplex congenita 3, myogenic type. Also called: ARTHROGRYPOSIS MULTIPLEX CONGENITA, MYOGENIC TYPE. Identifiers: MedGen C5193121, MONDO:0032778, OMIM 618484.
Emery-Dreifuss muscular dystrophy 4, autosomal dominant (EDMD4). Also called: EMERY-DREIFUSS MUSCULAR DYSTROPHY 4 WITH VARIABLE FEATURES. Identifiers: Orphanet 261, MedGen C2751807, MONDO:0013071, OMIM 612998.
Autosomal recessive ataxia, Beauce type. Also called: SYNE1 Deficiency; Spinocerebellar ataxia, autosomal recessive 8; ATAXIA, RECESSIVE, OF BEAUCE; SYNE1-Related Autosomal Recessive Cerebellar Ataxia. Identifiers: Orphanet 88644, MedGen C1853116, MONDO:0012549, OMIM 610743.

Allele frequency attached by ClinVar (database versions not stated): gnomAD exomes 0.76120 and 0.78239; ExAC 0.77974; ESP Exome Variant Server 0.81047; 1000 Genomes Project 0.81470; gnomAD 0.81525 and 0.82174; 1000 Genomes Project 30x 0.81886; TOPMed 0.81944.
gnomAD v4.1: 1,236,382 of 1,614,054 alleles (77%); highest among the groups gnomAD compares: African/African-American, 93%; 476,515 homozygotes.

Submissions (15):

Labcorp Genetics (formerly Invitae), Labcorp
Classification: Benign for Emery-Dreifuss muscular dystrophy 4, autosomal dominant; Autosomal recessive ataxia, Beauce type. Last evaluated: 2026-02-03. Review status: criteria provided, single submitter. Criteria: Invitae Variant Classification Sherloc (09022015). Collection method: clinical testing. Allele origin: germline.

Blueprint Genetics
Classification: Benign. Last evaluated: 2024-11-27. Review status: criteria provided, single submitter. Criteria: ACMG Guidelines, 2015. Collection method: clinical testing. Allele origin: germline.

Genome-Nilou Lab
Classification: Benign for Arthrogryposis multiplex congenita 3, myogenic type. Last evaluated: 2021-07-15. Review status: criteria provided, single submitter. Criteria: ACMG Guidelines, 2015. Collection method: clinical testing. Allele origin: germline. Affected: no.

Genome-Nilou Lab
Classification: Benign for Emery-Dreifuss muscular dystrophy 4, autosomal dominant. Last evaluated: 2021-07-15. Review status: criteria provided, single submitter. Criteria: ACMG Guidelines, 2015. Collection method: clinical testing. Allele origin: germline. Affected: no.

Genome-Nilou Lab
Classification: Benign for Autosomal recessive ataxia, Beauce type. Last evaluated: 2021-07-15. Review status: criteria provided, single submitter. Criteria: ACMG Guidelines, 2015. Collection method: clinical testing. Allele origin: germline. Affected: no.

Athena Diagnostics
Classification: Benign. Last evaluated: 2018-11-02. Review status: criteria provided, single submitter. Criteria: Athena Diagnostics Criteria. Collection method: clinical testing. Allele origin: germline.

Illumina Laboratory Services, Illumina
Classification: Benign for Autosomal recessive ataxia, Beauce type. Last evaluated: 2018-01-13. Review status: criteria provided, single submitter. Criteria: ICSL Variant Classification Criteria 13 December 2019. Collection method: clinical testing. Allele origin: germline.
Comment: This variant was observed in the ICSL laboratory as part of a predisposition screen in an ostensibly healthy population. It had not been previously curated by ICSL or reported in the Human Gene Mutation Database (HGMD: prior to June 1st, 2018), and was therefore a candidate for classification through an automated scoring system. Utilizing variant allele frequency, disease prevalence and penetrance estimates, and inheritance mode, an automated score was calculated to assess if this variant is too frequent to cause the disease. Based on the score and internal cut-off values, a variant classified as benign is not then subjected to further curation. The score for this variant resulted in a classification of benign for this disease.

Illumina Laboratory Services, Illumina
Classification: Benign for Emery-Dreifuss muscular dystrophy 4, autosomal dominant. Last evaluated: 2018-01-13. Review status: criteria provided, single submitter. Criteria: ICSL Variant Classification Criteria 13 December 2019. Collection method: clinical testing. Allele origin: germline.
Comment: the same text as in the submission from Illumina Laboratory Services, Illumina above.

Mayo Clinic Laboratories, Mayo Clinic
Classification: Benign. Last evaluated: 2017-07-24. Review status: criteria provided, single submitter. Criteria: ACMG Guidelines, 2015. Collection method: clinical testing. Allele origin: germline. Observed: 1,088 variant alleles.

GeneDx
Classification: Benign. Last evaluated: 2016-01-05. Review status: criteria provided, single submitter. Criteria: GeneDx Variant Classification (06012015). Collection method: clinical testing. Allele origin: germline. Affected: yes.
Comment: This variant is considered likely benign or benign based on one or more of the following criteria: it is a conservative change, it occurs at a poorly conserved position in the protein, it is predicted to be benign by multiple in silico algorithms, and/or has population frequency not consistent with disease.

PreventionGenetics, part of Exact Sciences
Classification: Benign. Review status: criteria provided, single submitter. Criteria: ACMG Guidelines, 2015. Collection method: clinical testing. Allele origin: germline.

Clinical Genetics DNA and cytogenetics Diagnostics Lab, Erasmus MC, Erasmus Medical Center
Classification: Benign. Review status: no assertion criteria provided. Collection method: clinical testing. Allele origin: germline. Affected: yes. Study: VKGL Data-share Consensus. Not counted in ClinVar's aggregate classification.

Clinical Genetics, Academic Medical Center
Classification: Benign. Review status: no assertion criteria provided. Collection method: clinical testing. Allele origin: germline. Affected: yes. Study: VKGL Data-share Consensus. Not counted in ClinVar's aggregate classification.

Genetic Services Laboratory, University of Chicago
Classification: Likely benign for AllHighlyPenetrant. Review status: no assertion criteria provided. Collection method: clinical testing. Allele origin: germline. Inheritance: Autosomal dominant inheritance. Not counted in ClinVar's aggregate classification.
Comment: Likely benign based on allele frequency in 1000 Genomes Project or ESP global frequency and its presence in a patient with a rare or unrelated disease phenotype. NOT Sanger confirmed.

Joint Genome Diagnostic Labs from Nijmegen and Maastricht, Radboudumc and MUMC+
Classification: Benign. Review status: no assertion criteria provided. Collection method: clinical testing. Allele origin: germline. Affected: yes. Study: VKGL Data-share Consensus. Not counted in ClinVar's aggregate classification.